The following is an entry in ClinVar:

ClinVar aggregate classification (germline): Likely pathogenic (1 of 4 stars; one submission).

Conditions:
Perrault syndrome 5 (PRLTS5). Identifiers: Orphanet 2855, MedGen C4015307, MONDO:0014504, OMIM 616138.

Submission:

Institute of Rare Diseases, West China Hospital, Sichuan University
Classification: Likely pathogenic for Perrault syndrome 5. Last evaluated: 2025-01-09. Review status: criteria provided, single submitter. Criteria: ClinGen HL ACMG Specifications v1. Collection method: research. Allele origin: germline. Affected: yes.
Comment: PVS1;PM2_Supporting

NM_021830.5(TWNK):c.42del (p.Leu14fs)

Gene: TWNK (twinkle mtDNA helicase; plus strand). Cytogenetic location: 10q24.31.
Variant type: Deletion.
Coding change: c.42del on transcript NM_021830.5 (MANE Select); coding-DNA position 42, one base deleted (G; older notation c.42delG).
Protein change: p.Leu14fs; shifts the reading frame from leucine 14.
Molecular consequence: frameshift variant. On other transcripts: non-coding transcript variant (4), intron variant (3).
Genome position (GRCh38, 1-based): chr10:100,988,252, G deleted. VCF-style (leftmost placement, unchanged base first): chr10-100988251-TG-T. GRCh37 (hg19) VCF-style: chr10-102748008-TG-T.
Other names: c.42del, p.Leu14fs (NM_001163812.2); c.-120+639del (NM_001163814.2, NM_001163813.2); c.-58+639del (NM_001368275.1); short protein forms L14fs.
Identifiers: ClinVar variation 3601957 (VCV003601957.1).
Genomic context (GRCh38, chr10:100,988,251, plus strand): 5'-CTTCCCACATTTGGCTAGGAATGTGGGTCCTCCTCCGAAGTGGGTACCCCCTCCGTATCT[TG>T]TTACCCCTGCGTGGGGAGTGGATGGGTCGGAGGGGCCTGCCCCGAAACTTGGCCCCAGGC-3'